The following is an entry in ClinVar:

NM_004333.6(BRAF):c.608+14G>A

Gene: BRAF (B-Raf proto-oncogene, serine/threonine kinase; minus strand). Cytogenetic location: 7q34.
Variant type: single nucleotide variant.
Coding change: c.608+14G>A on transcript NM_004333.6 (MANE Select); 14 bases into the intron after coding-DNA position 608, G replaced by A.
Molecular consequence: intron variant.
Genome position (GRCh38, 1-based): chr7:140,808,878, C>T on the plus strand (G>A on the coding strand, the complement: BRAF is on the minus strand). VCF-style: chr7-140808878-C-T. GRCh37 (hg19) VCF-style: chr7-140508678-C-T.
Other names: c.608+14G>A (NM_001378474.1, NM_001378471.1, NM_001378468.1 and 4 more transcripts); c.506+14G>A (NM_001378470.1); c.344+14G>A (NM_001378475.1); c.617+5G>A (NM_001378467.1); c.452+14G>A (NM_001378472.1, NM_001378473.1).
Identifiers: ClinVar variation 377567 (VCV000377567.5), dbSNP rs752604323, ClinGen allele CA4516941.

ClinVar aggregate classification (germline): Benign/Likely benign. Review status: criteria provided, multiple submitters, no conflicts (2 of 4 stars). 2 submissions from 2 submitters: Benign (1); Likely benign (1). Last evaluated 2026-01-14.

Conditions:
RASopathy. Also called: rasopathies; Noonan spectrum disorder. Identifiers: Orphanet 536391, MedGen C5555857, MONDO:0021060.

Allele frequency attached by ClinVar (database versions not stated): ExAC 0.00003; gnomAD exomes 0.00003 and 0.00004; TOPMed 0.00004; gnomAD 0.00005 and 0.00006.
gnomAD v4.1: 57 of 1,596,816 alleles (0.0036%); highest among the groups gnomAD compares: Middle Eastern, 0.022%; no homozygotes.

Submissions (2):

Labcorp Genetics (formerly Invitae), Labcorp
Classification: Likely benign for RASopathy. Last evaluated: 2026-01-14. Review status: criteria provided, single submitter. Criteria: Invitae Variant Classification Sherloc (09022015). Collection method: clinical testing. Allele origin: germline.

GeneDx
Classification: Benign. Last evaluated: 2015-09-28. Review status: criteria provided, single submitter. Criteria: GeneDx Variant Classification (06012015). Collection method: clinical testing. Allele origin: germline. Affected: yes.
Comment: This variant is considered likely benign or benign based on one or more of the following criteria: it is a conservative change, it occurs at a poorly conserved position in the protein, it is predicted to be benign by multiple in silico algorithms, and/or has population frequency not consistent with disease.